The following is an entry in ClinVar:

ClinVar aggregate classification (germline): Pathogenic (1 of 4 stars; one submission).

Conditions:
Sjögren-Larsson syndrome (SLS). Also called: FALDH DEFICIENCY; FATTY ALCOHOL:NAD+ OXIDOREDUCTASE DEFICIENCY; FATTY ALDEHYDE DEHYDROGENASE DEFICIENCY; ICHTHYOSIS, SPASTIC NEUROLOGIC DISORDER, AND OLIGOPHRENIA. Identifiers: Orphanet 816, MedGen C0037231, MONDO:0010031, OMIM 270200.

Submission:

Myriad Genetics, Inc.
Classification: Pathogenic for Sjögren-Larsson syndrome. Last evaluated: 2023-08-10. Review status: criteria provided, single submitter. Criteria: Myriad Autosomal Dominant, Autosomal Recessive and X-Linked Classification Criteria (2023). Collection method: clinical testing. Allele origin: unknown.
Comment: NM_000382.2(ALDH3A2):c.967del1ins18(P323Tfs*11) is expected to be pathogenic in the context of Sjogren-Larsson syndrome. This variant is predicted to lead to an abnormal or absent protein product due to the creation of a premature termination codon in ALDH3A2, a gene where loss-of-function variants are known to be pathogenic. Please note: this variant was assessed in the context of healthy population screening.

NM_000382.3(ALDH3A2):c.967delinsACTGTCTCTTATACACAT (p.Pro323fs)

Gene: ALDH3A2 (aldehyde dehydrogenase 3 family member A2; plus strand). Cytogenetic location: 17p11.2.
Variant type: Indel.
Coding change: c.967delinsACTGTCTCTTATACACAT on transcript NM_000382.3 (MANE Select); coding-DNA position 967, C replaced by ACTGTCTCTTATACACAT.
Protein change: p.Pro323fs; shifts the reading frame from proline 323.
Molecular consequence: frameshift variant.
Genome position (GRCh38, 1-based): chr17:19,663,359, C replaced by ACTGTCTCTTATACACAT. VCF-style: chr17-19663359-C-ACTGTCTCTTATACACAT. GRCh37 (hg19) VCF-style: chr17-19566672-C-ACTGTCTCTTATACACAT.
Other names: c.967delinsACTGTCTCTTATACACAT, p.Pro323fs (NM_001031806.2, NM_001369136.1, NM_001369137.2 and 3 more transcripts); c.388delinsACTGTCTCTTATACACAT, p.Pro130fs (NM_001369148.2); short protein forms P130fs, P323fs.
Identifiers: ClinVar variation 5011307 (VCV005011307.1).